The following is an entry in ClinVar:

ClinVar aggregate classification (germline): Uncertain significance (1 of 4 stars; one submission).

gnomAD v4.1: 2 of 1,597,440 alleles (0.00013%); highest among the groups gnomAD compares: Non-Finnish European, 0.00017%; no homozygotes.

Submission:

Labcorp Genetics (formerly Invitae), Labcorp
Classification: Uncertain significance. Last evaluated: 2025-08-06. Review status: criteria provided, single submitter. Criteria: Invitae Variant Classification Sherloc (09022015). Collection method: clinical testing. Allele origin: germline.
Comment: This sequence change replaces glutamic acid, which is acidic and polar, with glutamine, which is neutral and polar, at codon 2020 of the KMT2A protein (p.Glu2020Gln). This variant is not present in population databases (gnomAD no frequency). This variant has not been reported in the literature in individuals affected with KMT2A-related conditions. ClinVar contains an entry for this variant (Variation ID: 3624441). Invitae Evidence Modeling of protein sequence and biophysical properties (such as structural, functional, and spatial information, amino acid conservation, physicochemical variation, residue mobility, and thermodynamic stability) has been performed for this missense variant. However, the output from this modeling did not meet the statistical confidence thresholds required to predict the impact of this variant on KMT2A protein function. In summary, the available evidence is currently insufficient to determine the role of this variant in disease. Therefore, it has been classified as a Variant of Uncertain Significance.

NM_001197104.2(KMT2A):c.6058G>C (p.Glu2020Gln)

Gene: KMT2A (lysine methyltransferase 2A; plus strand). Cytogenetic location: 11q23.3.
Variant type: single nucleotide variant.
Coding change: c.6058G>C on transcript NM_001197104.2 (MANE Select); coding-DNA position 6058, G replaced by C.
Protein change: p.Glu2020Gln; replaces glutamic acid 2020 with glutamine.
Molecular consequence: missense variant.
Genome position (GRCh38, 1-based): chr11:118,499,399, G>C. VCF-style: chr11-118499399-G-C. GRCh37 (hg19) VCF-style: chr11-118370114-G-C.
Other names: c.6148G>C, p.Glu2050Gln (NM_001412597.1); c.6049G>C, p.Glu2017Gln (NM_005933.4); short protein forms E2017Q, E2020Q, E2050Q.
Identifiers: ClinVar variation 3624441 (VCV003624441.2).